The following is an entry in ClinVar:

NM_001875.5(CPS1):c.2193-15G>T

Gene: CPS1 (carbamoyl-phosphate synthase 1; plus strand). Cytogenetic location: 2q34.
Variant type: single nucleotide variant.
Coding change: c.2193-15G>T on transcript NM_001875.5 (MANE Select); 15 bases into the intron before coding-DNA position 2193, G replaced by T.
Molecular consequence: intron variant.
Genome position (GRCh38, 1-based): chr2:210,608,346, G>T. VCF-style: chr2-210608346-G-T. GRCh37 (hg19) VCF-style: chr2-211473070-G-T.
Other names: p.?; c.2193-15G>T (LRG_336t1, NM_001369257.1, NM_001122633.3); c.2226-15G>T (NM_001369256.1).
Identifiers: ClinVar variation 137023 (VCV000137023.26), dbSNP rs2287600, ClinGen allele CA290503.
Genomic context (GRCh38, chr2:210,608,346, plus strand): 5'-AAGACCAATTTATGTTTTGGTCTGTTTTCAATAATTGCTCGAAGAAAAAAAAATAAATTT[G>T]TCTTCTTTTTATAGCTACCCATTGGCATTCATTGCTGCAAAGATTGCCCTAGGAATCCCA-3'

ClinVar aggregate classification (germline): Benign. Review status: criteria provided, multiple submitters, no conflicts (2 of 4 stars). 12 submissions from 12 submitters: Benign (10). 2 of the submissions do not count toward it. Last evaluated 2026-02-04.

Conditions:
Congenital hyperammonemia, type I. Also called: Carbamoyl-phosphate synthase I deficiency; Carbamoyl phosphate synthetase I deficiency disease; CPS I DEFICIENCY; Carbamoyl phosphate synthetase 1 deficiency; Hyperammonemia due to carbamoyl phosphate synthetase 1 deficiency; CPS 1 deficiency. Identifiers: Orphanet 147, MedGen C4082171, MONDO:0009376, OMIM 237300.

Allele frequency attached by ClinVar (database versions not stated): ESP Exome Variant Server 0.08385; gnomAD 0.09707 and 0.10248; TOPMed 0.09914; 1000 Genomes Project 30x 0.12789; 1000 Genomes Project 0.13658.
gnomAD v4.1: 197,719 of 1,608,256 alleles (12%); highest among the groups gnomAD compares: East Asian, 29%; 13,438 homozygotes.

Submissions (14):

Labcorp Genetics (formerly Invitae), Labcorp
Classification: Benign for Congenital hyperammonemia, type I. Last evaluated: 2026-02-04. Review status: criteria provided, single submitter. Criteria: Invitae Variant Classification Sherloc (09022015). Collection method: clinical testing. Allele origin: germline.

Blueprint Genetics
Classification: Benign. Last evaluated: 2024-11-26. Review status: criteria provided, single submitter. Criteria: ACMG Guidelines, 2015. Collection method: clinical testing. Allele origin: germline.

Mayo Clinic Laboratories, Mayo Clinic
Classification: Benign. Last evaluated: 2022-01-27. Review status: criteria provided, single submitter. Criteria: ACMG Guidelines, 2015. Collection method: clinical testing. Allele origin: germline. Observed: 29 variant alleles.

Genome-Nilou Lab
Classification: Benign for Congenital hyperammonemia, type I. Last evaluated: 2021-07-10. Review status: criteria provided, single submitter. Criteria: ACMG Guidelines, 2015. Collection method: clinical testing. Allele origin: germline. Affected: no.

Illumina Laboratory Services, Illumina
Classification: Benign for Congenital hyperammonemia, type I. Last evaluated: 2018-01-12. Review status: criteria provided, single submitter. Criteria: ICSL Variant Classification Criteria 13 December 2019. Collection method: clinical testing. Allele origin: germline.
Comment: This variant was observed in the ICSL laboratory as part of a predisposition screen in an ostensibly healthy population. It had not been previously curated by ICSL or reported in the Human Gene Mutation Database (HGMD: prior to June 1st, 2018), and was therefore a candidate for classification through an automated scoring system. Utilizing variant allele frequency, disease prevalence and penetrance estimates, and inheritance mode, an automated score was calculated to assess if this variant is too frequent to cause the disease. Based on the score and internal cut-off values, a variant classified as benign is not then subjected to further curation. The score for this variant resulted in a classification of benign for this disease.

Clinical Genetics DNA and cytogenetics Diagnostics Lab, Erasmus MC, Erasmus Medical Center
Classification: Benign for Congenital hyperammonemia, type I. Last evaluated: 2017-05-31. Review status: criteria provided, single submitter. Criteria: ACGS Guidelines, 2013. Collection method: clinical testing. Allele origin: germline. Affected: yes. Study: VKGL Data-share Consensus.

Women's Health and Genetics/Laboratory Corporation of America, LabCorp
Classification: Benign. Last evaluated: 2017-05-14. Review status: criteria provided, single submitter. Criteria: LabCorp Variant Classification Summary - May 2015. Collection method: clinical testing. Allele origin: germline.
Comment: Variant summary: c. c.2193-15G>T in CPS1 gene is an intronic change that involves a non-conserved nucleotide. 5/5 programs in Alamut predict that this do not affect a normal splicing, however no functional studies supporting this notion were published at the time of evaluation. The variant is present in the control population dataset of ExAC at frequency of 0.1255 (14937 / 119028 chrs tested), across multiple ethnicities, including numerous homozygous occurrences. The observed frequencies exceed the maximum expected allele frequency for a pathogenic variant of 0.0015%, suggesting that it is a benign polymorphism. The variant of interest has been reported as Benign by several reputable databases/clinical laboratory. Taking together, based on the prevalence of this variant in general population the variant was classified as Benign.

GeneDx
Classification: Benign. Last evaluated: 2013-07-25. Review status: criteria provided, single submitter. Criteria: GeneDx Variant Classification (06012015). Collection method: clinical testing. Allele origin: germline. Affected: yes.
Comment: This variant is considered likely benign or benign based on one or more of the following criteria: it is a conservative change, it occurs at a poorly conserved position in the protein, it is predicted to be benign by multiple in silico algorithms, and/or has population frequency not consistent with disease.

Breakthrough Genomics
Classification: Benign. Review status: criteria provided, single submitter. Criteria: ACMG Guidelines, 2015. Collection method: not provided. Allele origin: germline. Inheritance: Autosomal recessive inheritance. Affected: yes.

PreventionGenetics, part of Exact Sciences
Classification: Benign. Review status: criteria provided, single submitter. Criteria: ACMG Guidelines, 2015. Collection method: clinical testing. Allele origin: germline.

Clinical Genetics, Academic Medical Center
Classification: Benign. Review status: no assertion criteria provided. Collection method: clinical testing. Allele origin: germline. Affected: yes. Study: VKGL Data-share Consensus. Not counted in ClinVar's aggregate classification.

Dr. Peter K. Rogan Lab, Western University
No classification provided (evidence only). Condition: Pancreatic adenocarcinoma. Review status: no classification provided. Collection method: in vitro. Allele origin: not applicable. Functional consequence: retained intron. Not counted in ClinVar's aggregate classification.

Dr. Peter K. Rogan Lab, Western University
No classification provided (evidence only). Condition: Uveal melanoma. Review status: no classification provided. Collection method: in vitro. Allele origin: not applicable. Functional consequence: retained intron. Not counted in ClinVar's aggregate classification.

Joint Genome Diagnostic Labs from Nijmegen and Maastricht, Radboudumc and MUMC+
Classification: Benign. Review status: no assertion criteria provided. Collection method: clinical testing. Allele origin: germline. Affected: yes. Study: VKGL Data-share Consensus. Not counted in ClinVar's aggregate classification.

Literature cited by the submitters: PubMed 22173106 (cited by Women's Health and Genetics/Laboratory Corporation of America, LabCorp).